The following is an entry in ClinVar:

ClinVar aggregate classification (germline): Uncertain significance (1 of 4 stars; one submission).

Conditions:
Fanconi anemia (FA). Also called: Fanconi's anemia. Identifiers: Orphanet 84, MedGen C0015625, MeSH D005199, MONDO:0019391.

Allele frequency attached by ClinVar (database versions not stated): gnomAD exomes 0.00001.
gnomAD v4.1: 3 of 1,613,400 alleles (0.00019%); highest among the groups gnomAD compares: East Asian, 0.0067%; no homozygotes.

Submission:

Labcorp Genetics (formerly Invitae), Labcorp
Classification: Uncertain significance for Fanconi anemia. Last evaluated: 2025-04-21. Review status: criteria provided, single submitter. Criteria: Invitae Variant Classification Sherloc (09022015). Collection method: clinical testing. Allele origin: germline.
Comment: This sequence change replaces methionine, which is neutral and non-polar, with arginine, which is basic and polar, at codon 292 of the FANCD2 protein (p.Met292Arg). This variant is not present in population databases (gnomAD no frequency). This variant has not been reported in the literature in individuals affected with FANCD2-related conditions. ClinVar contains an entry for this variant (Variation ID: 2718209). Invitae Evidence Modeling of protein sequence and biophysical properties (such as structural, functional, and spatial information, amino acid conservation, physicochemical variation, residue mobility, and thermodynamic stability) indicates that this missense variant is not expected to disrupt FANCD2 protein function with a negative predictive value of 80%. In summary, the available evidence is currently insufficient to determine the role of this variant in disease. Therefore, it has been classified as a Variant of Uncertain Significance.

NM_001018115.3(FANCD2):c.875T>G (p.Met292Arg)

Genes: FANCD2 (FA complementation group D2; plus strand), LOC107303338 (3p25 FANCD2 Alu-mediated recombination region; plus strand). Cytogenetic location: 3p25.3.
Variant type: single nucleotide variant.
Coding change: c.875T>G on transcript NM_001018115.3 (MANE Select); coding-DNA position 875, T replaced by G.
Protein change: p.Met292Arg; replaces methionine 292 with arginine.
Molecular consequence: missense variant.
Genome position (GRCh38, 1-based): chr3:10,042,650, T>G. VCF-style: chr3-10042650-T-G. GRCh37 (hg19) VCF-style: chr3-10084334-T-G.
Other names: c.875T>G, p.Met292Arg (NM_001319984.2, NM_001374253.1, NM_001374254.1 and 1 more transcripts); short protein forms M292R.
Identifiers: ClinVar variation 2718209 (VCV002718209.3), dbSNP rs2086894384, ClinGen allele CA351728958.